The following is an entry in ClinVar:

NM_001371279.1(REEP1):c.470C>T (p.Thr157Ile)

Gene: REEP1 (receptor accessory protein 1; minus strand). Cytogenetic location: 2p11.2.
Variant type: single nucleotide variant.
Coding change: c.470C>T on transcript NM_001371279.1 (MANE Select); coding-DNA position 470, C replaced by T.
Protein change: p.Thr157Ile; replaces threonine 157 with isoleucine.
Molecular consequence: missense variant. On other transcripts: intron variant (1).
Genome position (GRCh38, 1-based): chr2:86,232,750, G>A on the plus strand (C>T on the coding strand, the complement: REEP1 is on the minus strand). VCF-style: chr2-86232750-G-A. GRCh37 (hg19) VCF-style: chr2-86459873-G-A.
Other names: c.491C>T, p.Thr164Ile (NM_001164730.2); c.389C>T, p.Thr130Ile (NM_001164731.2); c.235C>T, p.Pro79Ser (NM_001164732.2); c.470C>T, p.Thr157Ile (NM_001410855.1, NM_001410856.1, NM_022912.3); c.418-15640C>T (NM_001371280.1); short protein forms T130I, P79S, T164I, T157I.
Identifiers: ClinVar variation 2707179 (VCV002707179.3), dbSNP rs778360930, ClinGen allele CA347547431.

ClinVar aggregate classification (germline): Uncertain significance (1 of 4 stars; one submission).

Conditions:
Hereditary spastic paraplegia 31. Also called: SPASTIC PARAPLEGIA 31, AUTOSOMAL DOMINANT. Identifiers: Orphanet 101011, MedGen C1853247, MONDO:0012453, OMIM 610250.

Allele frequency attached by ClinVar (database versions not stated): TOPMed below 0.00001.
gnomAD v4.1: 1 of 1,606,660 alleles (0.000062%); highest among the groups gnomAD compares: Admixed American, 0.0017%; no homozygotes.

Submission:

Labcorp Genetics (formerly Invitae), Labcorp
Classification: Uncertain significance for Hereditary spastic paraplegia 31. Last evaluated: 2024-05-01. Review status: criteria provided, single submitter. Criteria: Invitae Variant Classification Sherloc (09022015). Collection method: clinical testing. Allele origin: germline.
Comment: This sequence change replaces threonine, which is neutral and polar, with isoleucine, which is neutral and non-polar, at codon 157 of the REEP1 protein (p.Thr157Ile). This variant is not present in population databases (gnomAD no frequency). This variant has not been reported in the literature in individuals affected with REEP1-related conditions. An algorithm developed to predict the effect of missense changes on protein structure and function (PolyPhen-2) suggests that this variant is likely to be disruptive. In summary, the available evidence is currently insufficient to determine the role of this variant in disease. Therefore, it has been classified as a Variant of Uncertain Significance.